The following is an entry in ClinVar:

NM_025179.4(PLXNA2):c.943C>T (p.Leu315=)

Gene: PLXNA2 (plexin A2; minus strand). Cytogenetic location: 1q32.2.
Variant type: single nucleotide variant.
Coding change: c.943C>T on transcript NM_025179.4 (MANE Select); coding-DNA position 943, C replaced by T.
Protein change: p.Leu315=; no amino-acid change (leucine 315 retained).
Molecular consequence: synonymous variant.
Genome position (GRCh38, 1-based): chr1:208,216,980, G>A on the plus strand (C>T on the coding strand, the complement: PLXNA2 is on the minus strand). VCF-style: chr1-208216980-G-A. GRCh37 (hg19) VCF-style: chr1-208390325-G-A.
Identifiers: ClinVar variation 3356995 (VCV003356995.1).

ClinVar aggregate classification (germline): Likely benign (0 of 4 stars; one submission).

Conditions:
PLXNA2-related disorder. Also called: PLXNA2-related condition.

gnomAD v4.1: 4 of 1,612,916 alleles (0.00025%); highest among the groups gnomAD compares: Admixed American, 0.005%; no homozygotes.

Submission:

PreventionGenetics, part of Exact Sciences
Classification: Likely benign for PLXNA2-related condition. Last evaluated: 2024-09-06. Review status: no assertion criteria provided. Collection method: clinical testing. Allele origin: germline.
Comment: This variant is classified as likely benign based on ACMG/AMP sequence variant interpretation guidelines (Richards et al. 2015 PMID: 25741868, with internal and published modifications).